The following is an entry in ClinVar:

NM_000260.4(MYO7A):c.4003G>A (p.Ala1335Thr)

Gene: MYO7A (myosin VIIA; plus strand). Cytogenetic location: 11q13.5.
Variant type: single nucleotide variant.
Coding change: c.4003G>A on transcript NM_000260.4 (MANE Select); coding-DNA position 4003, G replaced by A.
Protein change: p.Ala1335Thr; replaces alanine 1335 with threonine.
Molecular consequence: missense variant.
Genome position (GRCh38, 1-based): chr11:77,192,129, G>A. VCF-style: chr11-77192129-G-A. GRCh37 (hg19) VCF-style: chr11-76903174-G-A.
Other names: c.4003G>A, p.Ala1335Thr (NM_001127180.2); c.3970G>A, p.Ala1324Thr (NM_001369365.1); short protein forms A1324T, A1335T.
Identifiers: ClinVar variation 962789 (VCV000962789.7), dbSNP rs375066152, ClinGen allele CA6198282.

ClinVar aggregate classification (germline): Uncertain significance. Review status: criteria provided, multiple submitters, no conflicts (2 of 4 stars). 4 submissions from 4 submitters: Uncertain significance (3). 1 of the submissions does not count toward it. Last evaluated 2026-05-21.

Conditions:
Usher syndrome type 1B (USH1B). Also called: Usher syndrome type IB. Identifiers: MedGen C1848638, MONDO:0700087.
MYO7A-related disorder. Also called: MYO7A-related disorders.
Usher syndrome type 1 (USH1). Also called: RETINITIS PIGMENTOSA AND CONGENITAL DEAFNESS. Identifiers: Orphanet 231169, Orphanet 886, MedGen C1568247, MONDO:0010168, OMIM 276900.
Autosomal dominant nonsyndromic hearing loss 11. Identifiers: Orphanet 90635, MedGen C1832475, MONDO:0011032, OMIM 601317.
Autosomal recessive nonsyndromic hearing loss 2. Also called: NEUROSENSORY NONSYNDROMIC RECESSIVE DEAFNESS 2; DEAFNESS, AUTOSOMAL RECESSIVE 2. Identifiers: Orphanet 90636, MedGen C1838701, MONDO:0010807, OMIM 600060.

Allele frequency attached by ClinVar (database versions not stated): TOPMed below 0.00001; gnomAD 0.00001 and 0.00002; gnomAD exomes 0.00001 and 0.00002; ExAC 0.00002; ESP Exome Variant Server 0.00008.
gnomAD v4.1: 39 of 1,613,814 alleles (0.0024%); highest among the groups gnomAD compares: Non-Finnish European, 0.0025%; no homozygotes.

Submissions (4):

PreventionGenetics, part of Exact Sciences
Classification: Uncertain significance for MYO7A-related condition. Last evaluated: 2026-05-21. Review status: criteria provided, single submitter. Criteria: ACMG Guidelines, 2015. Collection method: clinical testing. Allele origin: germline.
Comment: The MYO7A c.4003G>A variant is predicted to result in the amino acid substitution p.Ala1335Thr. To our knowledge, this variant has not been reported in the literature. This variant is reported in 0.0080% of alleles in individuals of European (Finnish) descent in gnomAD. At this time, the clinical significance of this variant is uncertain due to the absence of conclusive functional and genetic evidence.

Fulgent Genetics
Classification: Uncertain significance for Usher syndrome type 1; Autosomal recessive nonsyndromic hearing loss 2; Autosomal dominant nonsyndromic hearing loss 11. Last evaluated: 2022-04-15. Review status: criteria provided, single submitter. Criteria: ACMG Guidelines, 2015. Collection method: clinical testing. Allele origin: unknown.

Labcorp Genetics (formerly Invitae), Labcorp
Classification: Uncertain significance. Last evaluated: 2021-08-28. Review status: criteria provided, single submitter. Criteria: Invitae Variant Classification Sherloc (09022015). Collection method: clinical testing. Allele origin: germline.
Comment: This sequence change replaces alanine with threonine at codon 1335 of the MYO7A protein (p.Ala1335Thr). The alanine residue is highly conserved and there is a small physicochemical difference between alanine and threonine. This variant is present in population databases (rs375066152, ExAC 0.03%). This variant has not been reported in the literature in individuals affected with MYO7A-related conditions. Algorithms developed to predict the effect of missense changes on protein structure and function are either unavailable or do not agree on the potential impact of this missense change (SIFT: "Tolerated"; PolyPhen-2: "Probably Damaging"; Align-GVGD: "Class C0"). In summary, the available evidence is currently insufficient to determine the role of this variant in disease. Therefore, it has been classified as a Variant of Uncertain Significance.

Natera, Inc.
Classification: Uncertain significance for Usher syndrome type 1B. Last evaluated: 2020-11-04. Review status: no assertion criteria provided. Collection method: clinical testing. Allele origin: germline. Not counted in ClinVar's aggregate classification.